The following is an entry in ClinVar:

NM_007294.4(BRCA1):c.212+9T>G

Gene: BRCA1 (BRCA1 DNA repair associated; minus strand). Cytogenetic location: 17q21.31.
Variant type: single nucleotide variant.
Coding change: c.212+9T>G on transcript NM_007294.4 (MANE Select); 9 bases into the intron after coding-DNA position 212, T replaced by G.
Molecular consequence: intron variant.
Genome position (GRCh38, 1-based): chr17:43,106,447, A>C on the plus strand (T>G on the coding strand, the complement: BRCA1 is on the minus strand). VCF-style: chr17-43106447-A-C. GRCh37 (hg19) VCF-style: chr17-41258464-A-C.
Other names: c.71+9T>G (NM_001408458.1, NM_001407931.1, NM_001407747.1 and 99 more transcripts); c.-218-11587T>G (NM_001407967.1, NM_001407966.1); c.-169-1491T>G (NM_001407959.1, NM_001407962.1, NM_001408512.1 and 4 more transcripts); c.2+31T>G (NM_001407885.1, NM_001407886.1, NM_001407898.1 and 58 more transcripts); c.212+9T>G (NM_001407686.1, NM_001408397.1, NM_001407632.1 and 167 more transcripts); c.81-1491T>G (NM_001408451.1); c.135-1491T>G (NM_001408475.1, NM_001407875.1, NM_001407659.1 and 21 more transcripts).
Identifiers: ClinVar variation 867350 (VCV000867350.3), dbSNP rs2054766684, ClinGen allele CA916080865.
Genomic context (GRCh38, chr17:43,106,447, plus strand): 5'-TTATTAAATAATTTCTACTTTTTCCTACTGTGGTTGCTTCCAACCTAGCATCATTACCAA[A>C]TTATATACCTTTTGGTTATATCATTCTTACATAAAGGACACTGTGAAGGCCCTTTCTTCT-3'

Conditions:
Breast-ovarian cancer, familial, susceptibility to, 1 (BROVCA1). Also called: BRCA1 Hereditary Breast and Ovarian Cancer; OVARIAN CANCER, SUSCEPTIBILITY TO. Identifiers: Orphanet 145, MedGen C2676676, MONDO:0011450, OMIM 604370. Disease mechanism: loss of function.

Submission:

Brotman Baty Institute, University of Washington
No classification provided (evidence only). Condition: Breast-ovarian cancer, familial 1. Review status: no classification provided. Collection method: in vitro. Allele origin: not applicable. Functional consequence: functionally_normal.
ClinVar note: "not provided" was previously submitted as the classification for the variant. However, the classification appeared to be based only on an observation of functional data so it was converted to no classification on 2025-07-30.